The following is an entry in ClinVar:

NM_014669.5(NUP93):c.2017C>T (p.Arg673Trp)

Gene: NUP93 (nucleoporin 93; plus strand). Cytogenetic location: 16q13.
Variant type: single nucleotide variant.
Coding change: c.2017C>T on transcript NM_014669.5 (MANE Select); coding-DNA position 2017, C replaced by T.
Protein change: p.Arg673Trp; replaces arginine 673 with tryptophan.
Molecular consequence: missense variant.
Genome position (GRCh38, 1-based): chr16:56,837,725, C>T. VCF-style: chr16-56837725-C-T. GRCh37 (hg19) VCF-style: chr16-56871637-C-T.
Other names: c.1648C>T, p.Arg550Trp (NM_001242795.2, NM_001242796.2); short protein forms R550W, R673W.
Identifiers: ClinVar variation 1344863 (VCV001344863.5), dbSNP rs1166462755, ClinGen allele CA395993867.

ClinVar aggregate classification (germline): Uncertain significance. Review status: criteria provided, multiple submitters, no conflicts (2 of 4 stars). 4 submissions from 4 submitters: Uncertain significance (3). 1 of the submissions does not count toward it. Last evaluated 2023-09-18.

Conditions:
Nephrotic syndrome. Identifiers: MedGen C0027726, MONDO:0005377, HP:0000100.
Nephrotic syndrome, type 12 (NPHS12). Identifiers: Orphanet 656, MedGen C4225166, MONDO:0014817, OMIM 616892.

Allele frequency attached by ClinVar (database versions not stated): gnomAD exomes below 0.00001; gnomAD 0.00001; TOPMed 0.00001.
gnomAD v4.1: 8 of 1,612,094 alleles (0.0005%); highest among the groups gnomAD compares: South Asian, 0.0033%; no homozygotes.

Submissions (4):

Labcorp Genetics (formerly Invitae), Labcorp
Classification: Uncertain significance. Last evaluated: 2023-09-18. Review status: criteria provided, single submitter. Criteria: Invitae Variant Classification Sherloc (09022015). Collection method: clinical testing. Allele origin: germline.
Comment: This sequence change replaces arginine, which is basic and polar, with tryptophan, which is neutral and slightly polar, at codon 673 of the NUP93 protein (p.Arg673Trp). This variant is present in population databases (no rsID available, gnomAD 0.003%). This missense change has been observed in individuals with NUP93-related conditions (PMID: 29127259; Invitae). ClinVar contains an entry for this variant (Variation ID: 1344863). An algorithm developed to predict the effect of missense changes on protein structure and function (PolyPhen-2) suggests that this variant is likely to be disruptive. In summary, the available evidence is currently insufficient to determine the role of this variant in disease. Therefore, it has been classified as a Variant of Uncertain Significance.

AiLife Diagnostics
Classification: Uncertain significance. Last evaluated: 2022-02-10. Review status: criteria provided, single submitter. Criteria: ACMG Guidelines, 2015. Collection method: clinical testing. Allele origin: germline. Affected: yes. Observed: 1 variant allele.

Neuberg Centre For Genomic Medicine, NCGM
Classification: Uncertain significance for Nephrotic syndrome, type 12. Review status: criteria provided, single submitter. Criteria: ACMG Guidelines, 2015. Collection method: clinical testing. Allele origin: germline. Inheritance: Autosomal recessive inheritance. Affected: yes.
Comment: The missense variant c.2017C>T (p.Arg673Trp) in NUP93 gene has not been reported previously as a pathogenic variant nor as a benign variant, to our knowledge. The p.Arg673Trp variant is reported with the allele frequency (0.0004%) in the gnomAD Exomes and is novel (not in any individuals) in 1000 Genomes. The amino acid Arg at position 673 is changed to a Trp changing protein sequence and it might alter its composition and physico-chemical properties. The variant is predicted to be damaging by SIFT and the residue is conserved across species. The amino acid change p.Arg673Trp in NUP93 is predicted as conserved by GERP++ and PhyloP across 100 vertebrates. For these reasons, this variant has been classified as Variant of Uncertain Significance (VUS).

Yale Center for Mendelian Genomics, Yale University
Classification: Likely pathogenic for Nephrotic syndrome. Last evaluated: 2017-11-10. Review status: no assertion criteria provided. Collection method: literature only. Allele origin: germline. Affected: yes. Observed: 1 homozygote. Study: Yale Center for Mendelian Genomics. Not counted in ClinVar's aggregate classification.

Literature cited by the submitters: PubMed 29127259 (cited by 3 submitters).